The following is an entry in ClinVar:

NM_001256545.2(MEGF10):c.2852C>T (p.Thr951Met)

Gene: MEGF10 (multiple EGF like domains 10; plus strand). Cytogenetic location: 5q23.2.
Variant type: single nucleotide variant.
Coding change: c.2852C>T on transcript NM_001256545.2 (MANE Select); coding-DNA position 2852, C replaced by T.
Protein change: p.Thr951Met; replaces threonine 951 with methionine.
Molecular consequence: missense variant.
Genome position (GRCh38, 1-based): chr5:127,447,680, C>T. VCF-style: chr5-127447680-C-T. GRCh37 (hg19) VCF-style: chr5-126783372-C-T.
Other names: c.2852C>T, p.Thr951Met (NM_032446.3); short protein forms T951M.
Identifiers: ClinVar variation 472738 (VCV000472738.8), dbSNP rs755639288, ClinGen allele CA3392032.

ClinVar aggregate classification (germline): Uncertain significance. Review status: criteria provided, multiple submitters, no conflicts (2 of 4 stars). 2 submissions from 2 submitters: Uncertain significance (2). Last evaluated 2022-08-08.

Conditions:
MEGF10-related myopathy (CMYO10A). Also called: Congenital myopathy 10A, severe variant. Identifiers: Orphanet 439212, MedGen C3280679, MONDO:0013731, OMIM 614399.

Allele frequency attached by ClinVar (database versions not stated): TOPMed 0.00005.
gnomAD v4.1: 35 of 1,613,794 alleles (0.0022%); highest among the groups gnomAD compares: Admixed American, 0.047%; no homozygotes.

Submissions (2):

Labcorp Genetics (formerly Invitae), Labcorp
Classification: Uncertain significance for MEGF10-related myopathy. Last evaluated: 2022-08-08. Review status: criteria provided, single submitter. Criteria: Invitae Variant Classification Sherloc (09022015). Collection method: clinical testing. Allele origin: germline.
Comment: This sequence change replaces threonine, which is neutral and polar, with methionine, which is neutral and non-polar, at codon 951 of the MEGF10 protein (p.Thr951Met). This variant is present in population databases (rs755639288, gnomAD 0.06%). This variant has not been reported in the literature in individuals affected with MEGF10-related conditions. ClinVar contains an entry for this variant (Variation ID: 472738). Algorithms developed to predict the effect of missense changes on protein structure and function are either unavailable or do not agree on the potential impact of this missense change (SIFT: "Deleterious"; PolyPhen-2: "Benign"; Align-GVGD: "Class C0"). In summary, the available evidence is currently insufficient to determine the role of this variant in disease. Therefore, it has been classified as a Variant of Uncertain Significance.

Blueprint Genetics
Classification: Uncertain significance. Last evaluated: 2018-09-27. Review status: criteria provided, single submitter. Criteria: ACMG Guidelines, 2015. Collection method: clinical testing. Allele origin: germline.